The following is an entry in ClinVar:

ClinVar aggregate classification (germline): Uncertain significance (1 of 4 stars; one submission).

Conditions:
Hereditary cancer-predisposing syndrome. Also called: Hereditary Cancer Syndrome; Hereditary neoplastic syndrome; Neoplastic Syndromes, Hereditary; Tumor predisposition. Identifiers: Orphanet 140162, MedGen C0027672, MeSH D009386, MONDO:0015356.

Submission:

Ambry Genetics
Classification: Uncertain significance for Hereditary cancer-predisposing syndrome. Last evaluated: 2022-08-23. Review status: criteria provided, single submitter. Criteria: Ambry Variant Classification Scheme 2023. Collection method: clinical testing. Allele origin: germline.
Comment: The p.T144K variant (also known as c.431C>A), located in coding exon 4 of the NBN gene, results from a C to A substitution at nucleotide position 431. The threonine at codon 144 is replaced by lysine, an amino acid with similar properties. This amino acid position is conserved. In addition, the in silico prediction for this alteration is inconclusive. Since supporting evidence is limited at this time, the clinical significance of this alteration remains unclear.

NM_002485.5(NBN):c.431C>A (p.Thr144Lys)

Gene: NBN (nibrin; minus strand). Cytogenetic location: 8q21.3.
Variant type: single nucleotide variant.
Coding change: c.431C>A on transcript NM_002485.5 (MANE Select); coding-DNA position 431, C replaced by A.
Protein change: p.Thr144Lys; replaces threonine 144 with lysine.
Molecular consequence: missense variant.
Genome position (GRCh38, 1-based): chr8:89,980,783, G>T on the plus strand (C>A on the coding strand, the complement: NBN is on the minus strand). VCF-style: chr8-89980783-G-T. GRCh37 (hg19) VCF-style: chr8-90993011-G-T.
Other names: c.185C>A, p.Thr62Lys (NM_001024688.3); short protein forms T62K, T144K.
Identifiers: ClinVar variation 1739681 (VCV001739681.2), dbSNP rs1554567906, ClinGen allele CA371661709.